The following is an entry in ClinVar:

ClinVar aggregate classification (germline): Benign/Likely benign. Review status: criteria provided, multiple submitters, no conflicts (2 of 4 stars). 6 submissions from 6 submitters: Benign (5); Likely benign (1). Last evaluated 2024-11-27.

Conditions:
Amelogenesis imperfecta hypomaturation type 2A3. Also called: Amelogenesis imperfecta, type IIA3. Identifiers: Orphanet 88661, MedGen C2750771, MONDO:0013181, OMIM 613211. Disease mechanism: loss of function.

Allele frequency attached by ClinVar (database versions not stated): 1000 Genomes Project 30x 0.31964; 1000 Genomes Project 0.32089; TOPMed 0.37281; gnomAD 0.37615 and 0.37852; ESP Exome Variant Server 0.40489; gnomAD exomes 0.40985 and 0.46399; ExAC 0.41130.
gnomAD v4.1: 734,688 of 1,611,968 alleles (46%); highest among the groups gnomAD compares: Middle Eastern, 55%; 173,557 homozygotes.

Submissions (6):

Blueprint Genetics
Classification: Benign. Last evaluated: 2024-11-27. Review status: criteria provided, single submitter. Criteria: ACMG Guidelines, 2015. Collection method: clinical testing. Allele origin: germline.

Mayo Clinic Laboratories, Mayo Clinic
Classification: Benign. Last evaluated: 2023-01-18. Review status: criteria provided, single submitter. Criteria: ACMG Guidelines, 2015. Collection method: clinical testing. Allele origin: germline. Observed: 52 variant alleles.
Comment: BA1, BS2

Genome-Nilou Lab
Classification: Benign for Amelogenesis imperfecta hypomaturation type 2A3. Last evaluated: 2021-12-05. Review status: criteria provided, single submitter. Criteria: ACMG Guidelines, 2015. Collection method: clinical testing. Allele origin: germline. Affected: no.

GeneDx
Classification: Benign. Last evaluated: 2018-11-12. Review status: criteria provided, single submitter. Criteria: GeneDx Variant Classification Process June 2021. Collection method: clinical testing. Allele origin: germline. Affected: yes.
Comment: This variant is associated with the following publications: (PMID: 30476138)

Breakthrough Genomics
Classification: Likely benign. Review status: criteria provided, single submitter. Criteria: ACMG Guidelines, 2015. Collection method: not provided. Allele origin: germline. Inheritance: Autosomal recessive inheritance. Affected: yes.

PreventionGenetics, part of Exact Sciences
Classification: Benign. Review status: criteria provided, single submitter. Criteria: ACMG Guidelines, 2015. Collection method: clinical testing. Allele origin: germline.

NM_182758.4(WDR72):c.917C>T (p.Pro306Leu)

Gene: WDR72 (WD repeat domain 72; minus strand). Cytogenetic location: 15q21.3.
Variant type: single nucleotide variant.
Coding change: c.917C>T on transcript NM_182758.4 (MANE Select); coding-DNA position 917, C replaced by T.
Protein change: p.Pro306Leu; replaces proline 306 with leucine.
Molecular consequence: missense variant. On other transcripts: non-coding transcript variant (1).
Genome position (GRCh38, 1-based): chr15:53,710,894, G>A on the plus strand (C>T on the coding strand, the complement: WDR72 is on the minus strand). VCF-style: chr15-53710894-G-A. GRCh37 (hg19) VCF-style: chr15-54003091-G-A.
Other names: p.Pro306Leu; short protein forms P306L.
Identifiers: ClinVar variation 263003 (VCV000263003.12), dbSNP rs551225, ClinGen allele CA7571268.